The following is an entry in ClinVar:

ClinVar aggregate classification (germline): Uncertain significance (1 of 4 stars; one submission).

Allele frequency attached by ClinVar (database versions not stated): gnomAD exomes below 0.00001; TOPMed 0.00001.
gnomAD v4.1: 21 of 1,588,950 alleles (0.0013%); highest among the groups gnomAD compares: Non-Finnish European, 0.0017%; no homozygotes.

Submission:

Labcorp Genetics (formerly Invitae), Labcorp
Classification: Uncertain significance. Last evaluated: 2021-09-09. Review status: criteria provided, single submitter. Criteria: Invitae Variant Classification Sherloc (09022015). Collection method: clinical testing. Allele origin: germline.
Comment: In summary, the available evidence is currently insufficient to determine the role of this variant in disease. Therefore, it has been classified as a Variant of Uncertain Significance. Advanced modeling of protein sequence and biophysical properties (such as structural, functional, and spatial information, amino acid conservation, physicochemical variation, residue mobility, and thermodynamic stability) performed at Invitae indicates that this missense variant is expected to disrupt PNPT1 protein function. This variant has not been reported in the literature in individuals affected with PNPT1-related conditions. This variant is not present in population databases (ExAC no frequency). This sequence change replaces serine with phenylalanine at codon 124 of the PNPT1 protein (p.Ser124Phe). The serine residue is moderately conserved and there is a large physicochemical difference between serine and phenylalanine.

NM_033109.5(PNPT1):c.371C>T (p.Ser124Phe)

Gene: PNPT1 (polyribonucleotide nucleotidyltransferase 1; minus strand). Cytogenetic location: 2p16.1.
Variant type: single nucleotide variant.
Coding change: c.371C>T on transcript NM_033109.5 (MANE Select); coding-DNA position 371, C replaced by T.
Protein change: p.Ser124Phe; replaces serine 124 with phenylalanine.
Molecular consequence: missense variant.
Genome position (GRCh38, 1-based): chr2:55,684,975, G>A on the plus strand (C>T on the coding strand, the complement: PNPT1 is on the minus strand). VCF-style: chr2-55684975-G-A. GRCh37 (hg19) VCF-style: chr2-55912110-G-A.
Other names: short protein forms S124F.
Identifiers: ClinVar variation 1369515 (VCV001369515.6), dbSNP rs1185368233, ClinGen allele CA346940647.